The following is an entry in ClinVar:

NM_000384.3(APOB):c.5673T>A (p.His1891Gln)

Gene: APOB (apolipoprotein B; minus strand). Cytogenetic location: 2p24.1.
Variant type: single nucleotide variant.
Coding change: c.5673T>A on transcript NM_000384.3 (MANE Select); coding-DNA position 5673, T replaced by A.
Protein change: p.His1891Gln; replaces histidine 1891 with glutamine.
Molecular consequence: missense variant.
Genome position (GRCh38, 1-based): chr2:21,011,195, A>T on the plus strand (T>A on the coding strand, the complement: APOB is on the minus strand). VCF-style: chr2-21011195-A-T. GRCh37 (hg19) VCF-style: chr2-21234067-A-T.
Other names: short protein forms H1891Q.
Identifiers: ClinVar variation 2451289 (VCV002451289.2), dbSNP rs1374171633, ClinGen allele CA346004223.

ClinVar aggregate classification (germline): Uncertain significance (1 of 4 stars; one submission).

Conditions:
Cardiovascular phenotype. Identifiers: MedGen CN230736.

Allele frequency attached by ClinVar (database versions not stated): gnomAD exomes below 0.00001.
gnomAD v4.1: 1 of 1,614,230 alleles (0.000062%); highest among the groups gnomAD compares: Non-Finnish European, 0.000085%; no homozygotes.

Submission:

Ambry Genetics
Classification: Uncertain significance for Cardiovascular phenotype. Last evaluated: 2022-11-19. Review status: criteria provided, single submitter. Criteria: Ambry Variant Classification Scheme 2023. Collection method: clinical testing. Allele origin: germline.
Comment: The p.H1891Q variant (also known as c.5673T>A), located in coding exon 26 of the APOB gene, results from a T to A substitution at nucleotide position 5673. The histidine at codon 1891 is replaced by glutamine, an amino acid with highly similar properties. This amino acid position is conserved. In addition, this alteration is predicted to be tolerated by in silico analysis. Since supporting evidence is limited at this time, the clinical significance of this alteration remains unclear.